The following is an entry in ClinVar:

NM_198994.3(TGM6):c.878G>A (p.Arg293Gln)

Gene: TGM6 (transglutaminase 6; plus strand). Cytogenetic location: 20p13.
Variant type: single nucleotide variant.
Coding change: c.878G>A on transcript NM_198994.3 (MANE Select); coding-DNA position 878, G replaced by A.
Protein change: p.Arg293Gln; replaces arginine 293 with glutamine.
Molecular consequence: missense variant.
Genome position (GRCh38, 1-based): chr20:2,400,333, G>A. VCF-style: chr20-2400333-G-A. GRCh37 (hg19) VCF-style: chr20-2380979-G-A.
Other names: c.878G>A, p.Arg293Gln (NM_001254734.2); short protein forms R293Q.
Identifiers: ClinVar variation 895400 (VCV000895400.8), dbSNP rs776511523, ClinGen allele CA9731872.

ClinVar aggregate classification (germline): Uncertain significance. Review status: criteria provided, multiple submitters, no conflicts (2 of 4 stars). 2 submissions from 2 submitters: Uncertain significance (2). Last evaluated 2023-12-11.

Conditions:
Spinocerebellar ataxia type 35. Identifiers: Orphanet 276193, MedGen C3888031, MONDO:0013485, OMIM 613908.

Allele frequency attached by ClinVar (database versions not stated): ExAC 0.00001; gnomAD 0.00001; gnomAD exomes 0.00001; TOPMed 0.00002.

Submissions (2):

Labcorp Genetics (formerly Invitae), Labcorp
Classification: Uncertain significance. Last evaluated: 2023-12-11. Review status: criteria provided, single submitter. Criteria: Invitae Variant Classification Sherloc (09022015). Collection method: clinical testing. Allele origin: germline.
Comment: This sequence change replaces arginine, which is basic and polar, with glutamine, which is neutral and polar, at codon 293 of the TGM6 protein (p.Arg293Gln). This variant is present in population databases (rs776511523, gnomAD 0.004%). This variant has not been reported in the literature in individuals affected with TGM6-related conditions. ClinVar contains an entry for this variant (Variation ID: 895400). Advanced modeling of protein sequence and biophysical properties (such as structural, functional, and spatial information, amino acid conservation, physicochemical variation, residue mobility, and thermodynamic stability) performed at Invitae indicates that this missense variant is expected to disrupt TGM6 protein function with a positive predictive value of 80%. In summary, the available evidence is currently insufficient to determine the role of this variant in disease. Therefore, it has been classified as a Variant of Uncertain Significance.

Illumina Laboratory Services, Illumina
Classification: Uncertain significance for Spinocerebellar ataxia type 35. Last evaluated: 2018-01-13. Review status: criteria provided, single submitter. Criteria: ICSL Variant Classification Criteria 13 December 2019. Collection method: clinical testing. Allele origin: germline.